The following is an entry in ClinVar:

ClinVar aggregate classification (germline): Benign/Likely benign. Review status: criteria provided, multiple submitters, no conflicts (2 of 4 stars). 11 submissions from 11 submitters: Benign (9); Likely benign (1). 1 of the submissions does not count toward it. Last evaluated 2026-02-04.

Conditions:
Fanconi anemia (FA). Also called: Fanconi's anemia. Identifiers: Orphanet 84, MedGen C0015625, MeSH D005199, MONDO:0019391.
Fanconi anemia complementation group P. Also called: SLX4-Related Fanconi Anemia. Identifiers: Orphanet 84, MedGen C3469542, MONDO:0013499, OMIM 613951.

Allele frequency attached by ClinVar (database versions not stated): gnomAD exomes 0.54342; ExAC 0.61159; ESP Exome Variant Server 0.62660; gnomAD 0.63612 and 0.63955; TOPMed 0.65398; 1000 Genomes Project 0.73962; 1000 Genomes Project 30x 0.74422.
gnomAD v4.1: 892,468 of 1,613,870 alleles (55%); highest among the groups gnomAD compares: African/African-American, 88%; 256,101 homozygotes.

Submissions (11):

Labcorp Genetics (formerly Invitae), Labcorp
Classification: Benign for Fanconi anemia. Last evaluated: 2026-02-04. Review status: criteria provided, single submitter. Criteria: Invitae Variant Classification Sherloc (09022015). Collection method: clinical testing. Allele origin: germline.

ARUP Laboratories, Molecular Genetics and Genomics, ARUP Laboratories
Classification: Benign for Fanconi anemia complementation group P. Last evaluated: 2025-07-28. Review status: criteria provided, single submitter. Criteria: ARUP Molecular Germline Variant Investigation Process 2024. Collection method: clinical testing. Allele origin: germline.

Blueprint Genetics
Classification: Likely benign. Last evaluated: 2024-11-27. Review status: criteria provided, single submitter. Criteria: ACMG Guidelines, 2015. Collection method: clinical testing. Allele origin: germline.

KCCC/NGS Laboratory, Kuwait Cancer Control Center
Classification: Benign for Fanconi anemia complementation group P. Last evaluated: 2023-07-07. Review status: criteria provided, single submitter. Criteria: ACMG Guidelines, 2015. Collection method: clinical testing. Allele origin: germline. Affected: yes.

Mayo Clinic Laboratories, Mayo Clinic
Classification: Benign. Last evaluated: 2022-09-06. Review status: criteria provided, single submitter. Criteria: ACMG Guidelines, 2015. Collection method: clinical testing. Allele origin: germline. Observed: 41 variant alleles.

Genome-Nilou Lab
Classification: Benign for Fanconi anemia complementation group P. Last evaluated: 2021-07-15. Review status: criteria provided, single submitter. Criteria: ACMG Guidelines, 2015. Collection method: clinical testing. Allele origin: germline. Affected: no.

GeneDx
Classification: Benign. Last evaluated: 2019-02-14. Review status: criteria provided, single submitter. Criteria: GeneDx Variant Classification Process June 2021. Collection method: clinical testing. Allele origin: germline. Affected: yes.

Illumina Laboratory Services, Illumina
Classification: Benign for Fanconi anemia complementation group P. Last evaluated: 2018-01-13. Review status: criteria provided, single submitter. Criteria: ICSL Variant Classification Criteria 13 December 2019. Collection method: clinical testing. Allele origin: germline.
Comment: This variant was observed in the ICSL laboratory as part of a predisposition screen in an ostensibly healthy population. It had not been previously curated by ICSL or reported in the Human Gene Mutation Database (HGMD: prior to June 1st, 2018), and was therefore a candidate for classification through an automated scoring system. Utilizing variant allele frequency, disease prevalence and penetrance estimates, and inheritance mode, an automated score was calculated to assess if this variant is too frequent to cause the disease. Based on the score and internal cut-off values, a variant classified as benign is not then subjected to further curation. The score for this variant resulted in a classification of benign for this disease.

Breakthrough Genomics
Classification: Benign. Review status: criteria provided, single submitter. Criteria: ACMG Guidelines, 2015. Collection method: not provided. Allele origin: germline. Inheritance: Autosomal recessive inheritance. Affected: yes.

PreventionGenetics, part of Exact Sciences
Classification: Benign. Review status: criteria provided, single submitter. Criteria: ACMG Guidelines, 2015. Collection method: clinical testing. Allele origin: germline.

Leiden Open Variation Database
Classification: Likely benign. Last evaluated: 2012-08-31. Review status: no assertion criteria provided. Collection method: curation. Allele origin: germline. Affected: yes. Not counted in ClinVar's aggregate classification.
Comment: Curator: Arleen D. Auerbach. Submitter to LOVD: Janine Bakker.

Literature cited by the submitters: PubMed 22911665 (cited by Leiden Open Variation Database).

NM_032444.4(SLX4):c.4500T>C (p.Asn1500=)

Gene: SLX4 (SLX4 structure-specific endonuclease subunit; minus strand). Cytogenetic location: 16p13.3.
Variant type: single nucleotide variant.
Coding change: c.4500T>C on transcript NM_032444.4 (MANE Select); coding-DNA position 4500, T replaced by C.
Protein change: p.Asn1500=; no amino-acid change (asparagine 1500 retained).
Molecular consequence: synonymous variant.
Genome position (GRCh38, 1-based): chr16:3,589,138, A>G on the plus strand (T>C on the coding strand, the complement: SLX4 is on the minus strand). VCF-style: chr16-3589138-A-G. GRCh37 (hg19) VCF-style: chr16-3639139-A-G.
Other names: p.Asn1500=; c.4500T>C (LRG_503t1, NM_032444.3).
Identifiers: ClinVar variation 262053 (VCV000262053.34), dbSNP rs3810812, ClinGen allele CA7865620.